The following is an entry in ClinVar:

NM_033004.4(NLRP1):c.3346T>C (p.Cys1116Arg)

Gene: NLRP1 (NLR family pyrin domain containing 1; minus strand). Cytogenetic location: 17p13.2.
Variant type: single nucleotide variant.
Coding change: c.3346T>C on transcript NM_033004.4 (MANE Select); coding-DNA position 3346, T replaced by C.
Protein change: p.Cys1116Arg; replaces cysteine 1116 with arginine.
Molecular consequence: missense variant.
Genome position (GRCh38, 1-based): chr17:5,530,655, A>G on the plus strand (T>C on the coding strand, the complement: NLRP1 is on the minus strand). VCF-style: chr17-5530655-A-G. GRCh37 (hg19) VCF-style: chr17-5433975-A-G.
Other names: c.3358T>C, p.Cys1120Arg (NM_001033053.3); c.3346T>C, p.Cys1116Arg (NM_014922.5); c.3256T>C, p.Cys1086Arg (NM_033006.4, NM_033007.4); short protein forms C1116R, C1120R, C1086R.
Identifiers: ClinVar variation 1473786 (VCV001473786.8), dbSNP rs1435625265, ClinGen allele CA397390864.

ClinVar aggregate classification (germline): Uncertain significance (1 of 4 stars; one submission).

Allele frequency attached by ClinVar (database versions not stated): gnomAD exomes below 0.00001.
gnomAD v4.1: 3 of 1,614,250 alleles (0.00019%); highest among the groups gnomAD compares: South Asian, 0.0022%; no homozygotes.

Submission:

Labcorp Genetics (formerly Invitae), Labcorp
Classification: Uncertain significance. Last evaluated: 2021-04-03. Review status: criteria provided, single submitter. Criteria: Invitae Variant Classification Sherloc (09022015). Collection method: clinical testing. Allele origin: germline.
Comment: In summary, the available evidence is currently insufficient to determine the role of this variant in disease. Therefore, it has been classified as a Variant of Uncertain Significance. Algorithms developed to predict the effect of missense changes on protein structure and function output the following: SIFT: "Tolerated"; PolyPhen-2: "Benign"; Align-GVGD: "Class C0". The arginine amino acid residue is found in multiple mammalian species, suggesting that this missense change does not adversely affect protein function. These predictions have not been confirmed by published functional studies and their clinical significance is uncertain. This variant has not been reported in the literature in individuals with NLRP1-related conditions. This variant is not present in population databases (ExAC no frequency). This sequence change replaces cysteine with arginine at codon 1116 of the NLRP1 protein (p.Cys1116Arg). The cysteine residue is weakly conserved and there is a large physicochemical difference between cysteine and arginine.